The following is an entry in ClinVar:

ClinVar aggregate classification (germline): Benign. Review status: criteria provided, single submitter (1 of 4 stars). 2 submissions from 2 submitters: Benign (1). 1 of the submissions does not count toward it. Last evaluated 2019-10-17.

Conditions:
Ovarian neoplasm. Also called: Ovarian Neoplasms; Neoplasm of ovary; Ovarian tumor. Identifiers: MedGen C0919267, MeSH D010051, MONDO:0021068, HP:0100615.
Leigh syndrome (NULS). Also called: Leigh's syndrome; Leigh Syndrome (mtDNA deletion); Leigh Disease; Subacute necrotizing encephalopathy; Necrotizing encephalopathy infantile subacute of Leigh; LEIGH SYNDROME, NUCLEAR. Identifiers: Orphanet 506, MedGen C2931891, MONDO:0009723, OMIM 256000.

Submissions (2):

Wong Mito Lab, Molecular and Human Genetics, Baylor College of Medicine
Classification: Benign for Leigh syndrome. Last evaluated: 2019-10-17. Review status: criteria provided, single submitter. Criteria: Modified ACMG Guidelines (Unpublished). Collection method: clinical testing. Allele origin: germline.
Comment: The NC_012920.1:m.15431G>A (YP_003024038.1:p.Ala229Thr) variant in MTCYB gene is interpretated to be a Benign variant based on the modified ACMG guidelines (unpublished). This variant meets the following evidence codes: BA1

Department of Zoology Govt. MVM College
Classification: Likely pathogenic for Neoplasm of ovary. Review status: no assertion criteria provided. Collection method: not provided. Allele origin: unknown. Not counted in ClinVar's aggregate classification.
Comment: KM276946;KM275488;KM275490;KM276954;KM276955;KM276959;KM270515;KM272010;KM276972;KM276990
ClinVar note: Converted during submission from probable-pathogenic to Likely pathogenic.

NC_012920.1(MT-CYB):m.15431G>A

Gene: MT-CYB (mitochondrially encoded cytochrome b; plus strand).
Variant type: single nucleotide variant.
Genome position: chrM-15431-G-A.
Identifiers: ClinVar variation 143924 (VCV000143924.3), dbSNP rs193302993, ClinGen allele CA345758.